The following is an entry in ClinVar:

ClinVar aggregate classification (germline): Pathogenic (1 of 4 stars; one submission).

Conditions:
Glycogen storage disease, type II (IOPD). Also called: Glucosidase acid-1,4-alpha deficiency; CARDIOMEGALIA GLYCOGENICA DIFFUSA; Glycogen storage disease type 2; Acid maltase deficiency disease; Aglucosidase alfa; Deficiency of alpha-glucosidase. Identifiers: Orphanet 365, MedGen C0017921, MONDO:0009290, OMIM 232300.

Submission:

Labcorp Genetics (formerly Invitae), Labcorp
Classification: Pathogenic for Glycogen storage disease, type II. Last evaluated: 2023-12-31. Review status: criteria provided, single submitter. Criteria: Invitae Variant Classification Sherloc (09022015). Collection method: clinical testing. Allele origin: germline.
Comment: This sequence change creates a premature translational stop signal (p.Trp772Cysfs*6) in the GAA gene. It is expected to result in an absent or disrupted protein product. Loss-of-function variants in GAA are known to be pathogenic (PMID: 18425781, 22252923). This variant is not present in population databases (gnomAD no frequency). This variant has not been reported in the literature in individuals affected with GAA-related conditions. ClinVar contains an entry for this variant (Variation ID: 1434761). For these reasons, this variant has been classified as Pathogenic.

Literature cited by the submitters: PubMed 18425781; PubMed 22252923.

NM_000152.5(GAA):c.2313_2322del (p.Trp772fs)

Gene: GAA (alpha glucosidase; plus strand). Cytogenetic location: 17q25.3.
Variant type: Deletion.
Coding change: c.2313_2322del on transcript NM_000152.5 (MANE Select); coding-DNA positions 2313 to 2322, 10 bases deleted (ATGGTACGAC; older notation c.2313_2322delATGGTACGAC).
Protein change: p.Trp772fs; shifts the reading frame from tryptophan 772.
Molecular consequence: frameshift variant.
Genome position (GRCh38, 1-based): chr17:80,117,091-80,117,100, ATGGTACGAC deleted; deleting any 10 consecutive bases within chr17:80,117,089-80,117,100 gives the same sequence; the c. name uses the placement nearest the transcript's 3' end. VCF-style (leftmost placement, unchanged base first): chr17-80117088-CACATGGTACG-C. GRCh37 (hg19) VCF-style: chr17-78090887-CACATGGTACG-C.
Other names: c.2313_2322del, p.Trp772fs (NM_001079803.3, NM_001079804.3); short protein forms W772fs.
Identifiers: ClinVar variation 1434761 (VCV001434761.6), dbSNP rs2143920189, ClinGen allele CA2573154958.
Genomic context (GRCh38, chr17:80,117,088, plus strand): 5'-GCTCATCACCCCAGTGCTCCAGGCCGGGAAGGCCGAAGTGACTGGCTACTTCCCCTTGGG[CACATGGTACG>C]ACCTGCAGACGGTGAGTCTGGGGACCCTAAGCCCTGGGGAGACGGGAGACCAGAGCAGCC-3'